The following is an entry in ClinVar:

ClinVar aggregate classification (germline): Uncertain significance (1 of 4 stars; one submission).

gnomAD v4.1: 26 of 1,614,070 alleles (0.0016%); highest among the groups gnomAD compares: East Asian, 0.02%; no homozygotes.

Submission:

CeGaT Center for Human Genetics Tuebingen
Classification: Uncertain significance. Last evaluated: 2025-10-01. Review status: criteria provided, single submitter. Criteria: CeGaT Center For Human Genetics Tuebingen Variant Classification Criteria Version 2. Collection method: clinical testing. Allele origin: germline. Affected: yes. Observed: 1 variant allele.
Comment: ERCC1: PM2

NM_001983.4(ERCC1):c.283G>A (p.Gly95Arg)

Gene: ERCC1 (ERCC excision repair 1, endonuclease non-catalytic subunit; minus strand). Cytogenetic location: 19q13.32.
Variant type: single nucleotide variant.
Coding change: c.283G>A on transcript NM_001983.4 (MANE Select); coding-DNA position 283, G replaced by A.
Protein change: p.Gly95Arg; replaces glycine 95 with arginine.
Molecular consequence: missense variant.
Genome position (GRCh38, 1-based): chr19:45,421,216, C>T on the plus strand (G>A on the coding strand, the complement: ERCC1 is on the minus strand). VCF-style: chr19-45421216-C-T. GRCh37 (hg19) VCF-style: chr19-45924474-C-T.
Other names: c.283G>A, p.Gly95Arg (NM_001166049.2, NM_001369408.1, NM_001369409.1 and 11 more transcripts); short protein forms G95R.
Identifiers: ClinVar variation 4534067 (VCV004534067.6).